The following is an entry in ClinVar:

NM_006979.3(SLC39A7):c.1369G>A (p.Gly457Arg)

Gene: SLC39A7 (solute carrier family 39 member 7; plus strand). Cytogenetic location: 6p21.32.
Variant type: single nucleotide variant.
Coding change: c.1369G>A on transcript NM_006979.3 (MANE Select); coding-DNA position 1369, G replaced by A.
Protein change: p.Gly457Arg; replaces glycine 457 with arginine.
Molecular consequence: missense variant.
Genome position (GRCh38, 1-based): chr6:33,203,772, G>A. VCF-style: chr6-33203772-G-A. GRCh37 (hg19) VCF-style: chr6-33171549-G-A.
Other names: c.1369G>A, p.Gly457Arg (NM_001077516.2); c.994G>A, p.Gly332Arg (NM_001288777.2); short protein forms G332R, G457R.
Identifiers: ClinVar variation 2419739 (VCV002419739.6), dbSNP rs772908349, ClinGen allele CA3752462.
Genomic context (GRCh38, chr6:33,203,772, plus strand): 5'-CCCGAGCTGCTGAGGGAGGCATCACCATTGCAATCACTTCTGGAGGTGCTGGGGCTGCTG[G>A]GGGGAGTTATCATGATGGTGCTGATTGCCCACCTTGAGTGAGGGGTGGATAAACTACCCC-3'
Protein context (NP_008910.2, residues 447-467): QSLLEVLGLL[Gly457Arg]GVIMMVLIAH

ClinVar aggregate classification (germline): Uncertain significance (1 of 4 stars; one submission).

Allele frequency attached by ClinVar (database versions not stated): ExAC 0.00001; gnomAD 0.00001; gnomAD exomes 0.00001; TOPMed 0.00002.

Submission:

Labcorp Genetics (formerly Invitae), Labcorp
Classification: Uncertain significance. Last evaluated: 2022-03-24. Review status: criteria provided, single submitter. Criteria: Invitae Variant Classification Sherloc (09022015). Collection method: clinical testing. Allele origin: germline.
Comment: This sequence change replaces glycine, which is neutral and non-polar, with arginine, which is basic and polar, at codon 457 of the SLC39A7 protein (p.Gly457Arg). This variant is present in population databases (rs772908349, gnomAD 0.0009%). This variant has not been reported in the literature in individuals affected with SLC39A7-related conditions. Algorithms developed to predict the effect of missense changes on protein structure and function are either unavailable or do not agree on the potential impact of this missense change (SIFT: "Tolerated"; PolyPhen-2: "Probably Damaging"; Align-GVGD: "Class C0"). In summary, the available evidence is currently insufficient to determine the role of this variant in disease. Therefore, it has been classified as a Variant of Uncertain Significance.